The following is an entry in ClinVar:

ClinVar aggregate classification (germline): Uncertain significance (1 of 4 stars; one submission).

Conditions:
Cardiomyopathy (CMYO). Also called: Cardiomyopathies. Identifiers: Orphanet 167848, MedGen C0878544, MONDO:0004994, HP:0001638. Inheritance: Various modes of inheritance.

Submission:

Color Diagnostics, LLC DBA Color Health
Classification: Uncertain significance for Cardiomyopathy. Last evaluated: 2021-03-17. Review status: criteria provided, single submitter. Criteria: ACMG Guidelines, 2015. Collection method: clinical testing. Allele origin: germline.
Comment: This variant changes 1 nucleotide in exon 51 of the RYR2 gene, creating a premature translation stop signal. This variant is expected to result in an absent or non-functional protein product. To our knowledge, this variant has not been reported in individuals affected with cardiovascular disorders in the literature. This variant has not been identified in the general population by the Genome Aggregation Database (gnomAD). Clinical relevance of loss-of-function truncation and splice variants in the RYR2 gene is not clearly established. The available evidence is insufficient to determine the role of this variant in disease conclusively. Therefore, this variant is classified as a Variant of Uncertain Significance.

NM_001035.3(RYR2):c.7763T>G (p.Leu2588Ter)

Gene: RYR2 (ryanodine receptor 2; plus strand). Cytogenetic location: 1q43.
Variant type: single nucleotide variant.
Coding change: c.7763T>G on transcript NM_001035.3 (MANE Select); coding-DNA position 7763, T replaced by G.
Protein change: p.Leu2588Ter; replaces leucine 2588 with a stop codon.
Molecular consequence: nonsense.
Genome position (GRCh38, 1-based): chr1:237,651,440, T>G. VCF-style: chr1-237651440-T-G. GRCh37 (hg19) VCF-style: chr1-237814740-T-G.
Other names: short protein forms L2588*.
Identifiers: ClinVar variation 1332612 (VCV001332612.2), dbSNP rs2148804017, ClinGen allele CA345399589.